The following is an entry in ClinVar:

ClinVar aggregate classification (germline): Likely benign. Review status: criteria provided, multiple submitters, no conflicts (2 of 4 stars). 3 submissions from 3 submitters: Likely benign (3). Last evaluated 2026-01-26.

Conditions:
Gray platelet syndrome (GPS). Also called: BLEEDING DISORDER, PLATELET-TYPE, 4. Identifiers: Orphanet 721, MedGen C0272302, MONDO:0007686, OMIM 139090.

Allele frequency attached by ClinVar (database versions not stated): gnomAD exomes 0.00010 and 0.00022; 1000 Genomes Project 0.00040; ExAC 0.00044; 1000 Genomes Project 30x 0.00047; gnomAD 0.00096 and 0.00102; TOPMed 0.00113; ESP Exome Variant Server 0.00134.
gnomAD v4.1: 289 of 1,604,648 alleles (0.018%); highest among the groups gnomAD compares: African/African-American, 0.34%; 1 homozygote.

Submissions (3):

Labcorp Genetics (formerly Invitae), Labcorp
Classification: Likely benign. Last evaluated: 2026-01-26. Review status: criteria provided, single submitter. Criteria: Invitae Variant Classification Sherloc (09022015). Collection method: clinical testing. Allele origin: germline.

Blueprint Genetics
Classification: Likely benign. Last evaluated: 2024-07-04. Review status: criteria provided, single submitter. Criteria: ACMG Guidelines, 2015. Collection method: clinical testing. Allele origin: germline.

Illumina Laboratory Services, Illumina
Classification: Likely benign for Gray platelet syndrome. Last evaluated: 2018-01-12. Review status: criteria provided, single submitter. Criteria: ICSL Variant Classification Criteria 13 December 2019. Collection method: clinical testing. Allele origin: germline.
Comment: This variant was observed in the ICSL laboratory as part of a predisposition screen in an ostensibly healthy population. It had not been previously curated by ICSL or reported in the Human Gene Mutation Database (HGMD: prior to June 1st, 2018), and was therefore a candidate for classification through an automated scoring system. Utilizing variant allele frequency, disease prevalence and penetrance estimates, and inheritance mode, an automated score was calculated to assess if this variant is too frequent to cause the disease. Based on the score and internal cut-off values, a variant classified as likely benign is not then subjected to further curation. The score for this variant resulted in a classification of likely benign for this disease.

NM_015175.3(NBEAL2):c.1600C>T (p.Arg534Cys)

Gene: NBEAL2 (neurobeachin like 2; plus strand). Cytogenetic location: 3p21.31.
Variant type: single nucleotide variant.
Coding change: c.1600C>T on transcript NM_015175.3 (MANE Select); coding-DNA position 1600, C replaced by T.
Protein change: p.Arg534Cys; replaces arginine 534 with cysteine.
Molecular consequence: missense variant.
Genome position (GRCh38, 1-based): chr3:46,995,335, C>T. VCF-style: chr3-46995335-C-T. GRCh37 (hg19) VCF-style: chr3-47036825-C-T.
Other names: c.1498C>T, p.Arg500Cys (NM_001365116.2); short protein forms R534C, R500C.
Identifiers: ClinVar variation 345628 (VCV000345628.10), dbSNP rs202209383, ClinGen allele CA2360410.